The following is an entry in ClinVar:

NM_198253.3(TERT):c.2658C>A (p.Thr886=)

Gene: TERT (telomerase reverse transcriptase; minus strand). Cytogenetic location: 5p15.33.
Variant type: single nucleotide variant.
Coding change: c.2658C>A on transcript NM_198253.3 (MANE Select); coding-DNA position 2658, C replaced by A.
Protein change: p.Thr886=; no amino-acid change (threonine 886 retained).
Molecular consequence: synonymous variant. On other transcripts: intron variant (1).
Genome position (GRCh38, 1-based): chr5:1,264,589, G>T on the plus strand (C>A on the coding strand, the complement: TERT is on the minus strand). VCF-style: chr5-1264589-G-T. GRCh37 (hg19) VCF-style: chr5-1264704-G-T.
Other names: c.2654+1875C>A (NM_001193376.3).
Identifiers: ClinVar variation 227098 (VCV000227098.23), dbSNP rs371744235, ClinGen allele CA3184418.

ClinVar aggregate classification (germline): Benign/Likely benign. Review status: criteria provided, multiple submitters, no conflicts (2 of 4 stars). 6 submissions from 6 submitters: Benign (2); Likely benign (3). 1 of the submissions does not count toward it. Last evaluated 2025-11-03.

Conditions:
Idiopathic Pulmonary Fibrosis. Also called: Idiopathic fibrosing alveolitis, chronic form; idiopathic fibrosing alveolitis. Identifiers: Orphanet 2032, MedGen C1800706, MeSH D054990, MONDO:0800504.
Dyskeratosis congenita, autosomal dominant 2. Identifiers: MedGen C3151443, MONDO:0013521, OMIM 613989.
Dyskeratosis congenita. Identifiers: Orphanet 1775, MedGen C0265965, MONDO:0015780.
TERT-related disorder. Also called: TERT-related condition; TERT-related disorders.

Allele frequency attached by ClinVar (database versions not stated): ExAC 0.00025; 1000 Genomes Project 30x 0.00062; 1000 Genomes Project 0.00080; TOPMed 0.00088; ESP Exome Variant Server 0.00103.
gnomAD v4.1: 187 of 1,613,954 alleles (0.012%); highest among the groups gnomAD compares: African/African-American, 0.24%; 1 homozygote.

Submissions (6):

Labcorp Genetics (formerly Invitae), Labcorp
Classification: Benign for Dyskeratosis congenita, autosomal dominant 2; Idiopathic Pulmonary Fibrosis. Last evaluated: 2025-11-03. Review status: criteria provided, single submitter. Criteria: Invitae Variant Classification Sherloc (09022015). Collection method: clinical testing. Allele origin: germline.

Blueprint Genetics
Classification: Likely benign. Last evaluated: 2022-07-17. Review status: criteria provided, single submitter. Criteria: ACMG Guidelines, 2015. Collection method: clinical testing. Allele origin: germline.

GeneDx
Classification: Likely benign. Last evaluated: 2020-11-10. Review status: criteria provided, single submitter. Criteria: GeneDx Variant Classification Process June 2021. Collection method: clinical testing. Allele origin: germline. Affected: yes.
Comment: See Variant Classification Assertion Criteria.

Ambry Genetics
Classification: Likely benign for Dyskeratosis congenita. Last evaluated: 2015-07-14. Review status: criteria provided, single submitter. Criteria: Ambry Variant Classification Scheme 2023. Collection method: clinical testing. Allele origin: germline.

Laboratory for Molecular Medicine, Mass General Brigham Personalized Medicine
Classification: Benign. Last evaluated: 2013-02-21. Review status: criteria provided, single submitter. Criteria: LMM Criteria. Collection method: clinical testing. Allele origin: germline. Observed: 2 variant alleles.
Comment: Thr886Thr in exon 11 of TERT: This variant is not expected to have clinical sign ificance because it does not alter an amino acid residue and is not located with in the splice consensus sequence. It has been identified in 0.3% (13/4174) of Af rican American chromosomes from a broad population by the NHLBI Exome Sequencing Project.

PreventionGenetics, part of Exact Sciences
Classification: Likely benign for TERT-related condition. Last evaluated: 2024-05-02. Review status: no assertion criteria provided. Collection method: clinical testing. Allele origin: germline. Not counted in ClinVar's aggregate classification.
Comment: This variant is classified as likely benign based on ACMG/AMP sequence variant interpretation guidelines (Richards et al. 2015 PMID: 25741868, with internal and published modifications).